The following is an entry in ClinVar:

NM_004369.4(COL6A3):c.6888C>T (p.Asp2296=)

Gene: COL6A3 (collagen type VI alpha 3 chain; minus strand). Cytogenetic location: 2q37.3.
Variant type: single nucleotide variant.
Coding change: c.6888C>T on transcript NM_004369.4 (MANE Select); coding-DNA position 6888, C replaced by T.
Protein change: p.Asp2296=; no amino-acid change (aspartic acid 2296 retained).
Molecular consequence: synonymous variant.
Genome position (GRCh38, 1-based): chr2:237,348,655, G>A on the plus strand (C>T on the coding strand, the complement: COL6A3 is on the minus strand). VCF-style: chr2-237348655-G-A. GRCh37 (hg19) VCF-style: chr2-238257298-G-A.
Other names: c.5067C>T, p.Asp1689= (NM_057166.5); c.6270C>T, p.Asp2090= (NM_057167.4).
Identifiers: ClinVar variation 779794 (VCV000779794.19), dbSNP rs762210213, ClinGen allele CA2188033.
Genomic context (GRCh38, chr2:237,348,655, plus strand): 5'-TCCTCAGCAGATACGTACTTTTTTGCCTCTGCGTCCTTCACTGCCAACTCCGTCTCTCCC[G>A]TCATCTCCCTAAGAGTGGGAAAGAGATGTGACTGTAGGTCGCCATGCCTGGCACACCATA-3'
Protein context (NP_004360.2, residues 2286-2306): NRGPRGETGD[Asp2296=]GRDGVGSEGR

ClinVar aggregate classification (germline): Likely benign. Review status: criteria provided, multiple submitters, no conflicts (2 of 4 stars). 3 submissions from 3 submitters: Likely benign (3). Last evaluated 2026-04-24.

Conditions:
Bethlem myopathy 1A. Also called: MYOPATHY, BENIGN CONGENITAL, WITH CONTRACTURES; Bethlem Muscular Dystrophy; Bethlem myopathy 1. Identifiers: Orphanet 610, MedGen CN029274, MONDO:0024530, OMIM 158810.

Allele frequency attached by ClinVar (database versions not stated): gnomAD exomes 0.00002 and 0.00007; ExAC 0.00003; gnomAD 0.00003; TOPMed 0.00003.
gnomAD v4.1: 106 of 1,613,898 alleles (0.0066%); highest among the groups gnomAD compares: Non-Finnish European, 0.0083%; no homozygotes.

Submissions (3):

Women's Health and Genetics/Laboratory Corporation of America, LabCorp
Classification: Likely benign. Last evaluated: 2026-04-24. Review status: criteria provided, single submitter. Criteria: LabCorp Variant Classification Summary - May 2015. Collection method: clinical testing. Allele origin: germline.

Labcorp Genetics (formerly Invitae), Labcorp
Classification: Likely benign for Bethlem myopathy 1A. Last evaluated: 2025-08-18. Review status: criteria provided, single submitter. Criteria: Invitae Variant Classification Sherloc (09022015). Collection method: clinical testing. Allele origin: germline.

CeGaT Center for Human Genetics Tuebingen
Classification: Likely benign. Last evaluated: 2025-03-01. Review status: criteria provided, single submitter. Criteria: CeGaT Center For Human Genetics Tuebingen Variant Classification Criteria Version 2. Collection method: clinical testing. Allele origin: germline. Affected: yes. Observed: 1 variant allele.
Comment: COL6A3: BP4, BP7